The following is an entry in ClinVar:

NM_000135.4(FANCA):c.1942G>C (p.Glu648Gln)

Gene: FANCA (FA complementation group A; minus strand). Cytogenetic location: 16q24.3.
Variant type: single nucleotide variant.
Coding change: c.1942G>C on transcript NM_000135.4 (MANE Select); coding-DNA position 1942, G replaced by C.
Protein change: p.Glu648Gln; replaces glutamic acid 648 with glutamine.
Molecular consequence: missense variant.
Genome position (GRCh38, 1-based): chr16:89,773,343, C>G on the plus strand (G>C on the coding strand, the complement: FANCA is on the minus strand). VCF-style: chr16-89773343-C-G. GRCh37 (hg19) VCF-style: chr16-89839751-C-G.
Other names: c.1942G>C, p.Glu648Gln (NM_001286167.3); short protein forms E648Q.
Identifiers: ClinVar variation 4022196 (VCV004022196.1).

ClinVar aggregate classification (germline): Uncertain significance (1 of 4 stars; one submission).

Conditions:
Inborn genetic diseases. Identifiers: MedGen C0950123, MeSH D030342.

Submission:

Ambry Genetics
Classification: Uncertain significance for Inborn genetic diseases. Last evaluated: 2025-04-18. Review status: criteria provided, single submitter. Criteria: Ambry Variant Classification Scheme 2023. Collection method: clinical testing. Allele origin: germline.
Comment: The p.E648Q variant (also known as c.1942G>C), located in coding exon 22 of the FANCA gene, results from a G to C substitution at nucleotide position 1942. The glutamic acid at codon 648 is replaced by glutamine, an amino acid with highly similar properties. This amino acid position is conserved. In addition, this alteration is predicted to be tolerated by in silico analysis. Based on the available evidence, the clinical significance of this variant remains unclear.